The following is an entry in ClinVar:

NM_005431.2(XRCC2):c.592A>G (p.Ile198Val)

Gene: XRCC2 (X-ray repair cross complementing 2; minus strand). Cytogenetic location: 7q36.1.
Variant type: single nucleotide variant.
Coding change: c.592A>G on transcript NM_005431.2 (MANE Select); coding-DNA position 592, A replaced by G.
Protein change: p.Ile198Val; replaces isoleucine 198 with valine.
Molecular consequence: missense variant.
Genome position (GRCh38, 1-based): chr7:152,648,893, T>C on the plus strand (A>G on the coding strand, the complement: XRCC2 is on the minus strand). VCF-style: chr7-152648893-T-C. GRCh37 (hg19) VCF-style: chr7-152345978-T-C.
Other names: short protein forms I198V.
Identifiers: ClinVar variation 826063 (VCV000826063.14), dbSNP rs993852259, ClinGen allele CA169486945.

ClinVar aggregate classification (germline): Uncertain significance. Review status: criteria provided, multiple submitters, no conflicts (2 of 4 stars). 2 submissions from 2 submitters: Uncertain significance (2). Last evaluated 2025-08-06.

Conditions:
Hereditary cancer-predisposing syndrome. Also called: Neoplastic Syndromes, Hereditary; Tumor predisposition; Hereditary neoplastic syndrome; Hereditary Cancer Syndrome. Identifiers: Orphanet 140162, MedGen C0027672, MeSH D009386, MONDO:0015356.

Allele frequency attached by ClinVar (database versions not stated): gnomAD exomes below 0.00001 and 0.00001.
gnomAD v4.1: 8 of 1,614,168 alleles (0.0005%); highest among the groups gnomAD compares: Admixed American, 0.0033%; no homozygotes.

Submissions (2):

Labcorp Genetics (formerly Invitae), Labcorp
Classification: Uncertain significance. Last evaluated: 2025-08-06. Review status: criteria provided, single submitter. Criteria: Invitae Variant Classification Sherloc (09022015). Collection method: clinical testing. Allele origin: germline.
Comment: This sequence change replaces isoleucine, which is neutral and non-polar, with valine, which is neutral and non-polar, at codon 198 of the XRCC2 protein (p.Ile198Val). This variant is present in population databases (no rsID available, gnomAD 0.006%). This missense change has been observed in individual(s) with breast cancer (PMID: 35534704). ClinVar contains an entry for this variant (Variation ID: 826063). Invitae Evidence Modeling of protein sequence and biophysical properties (such as structural, functional, and spatial information, amino acid conservation, physicochemical variation, residue mobility, and thermodynamic stability) indicates that this missense variant is not expected to disrupt XRCC2 protein function with a negative predictive value of 80%. In summary, the available evidence is currently insufficient to determine the role of this variant in disease. Therefore, it has been classified as a Variant of Uncertain Significance.

Ambry Genetics
Classification: Uncertain significance for Hereditary cancer-predisposing syndrome. Last evaluated: 2024-02-23. Review status: criteria provided, single submitter. Criteria: Ambry Variant Classification Scheme 2023. Collection method: clinical testing. Allele origin: germline.
Comment: The p.I198V variant (also known as c.592A>G), located in coding exon 3 of the XRCC2 gene, results from an A to G substitution at nucleotide position 592. The isoleucine at codon 198 is replaced by valine, an amino acid with highly similar properties. This amino acid position is not well conserved in available vertebrate species. In addition, this alteration is predicted to be tolerated by in silico analysis. Since supporting evidence is limited at this time, the clinical significance of this alteration remains unclear.

Literature cited by the submitters: PubMed 35534704 (cited by Labcorp Genetics (formerly Invitae), Labcorp).